The following is an entry in ClinVar:

ClinVar aggregate classification (germline): Uncertain significance. Review status: criteria provided, multiple submitters, no conflicts (2 of 4 stars). 2 submissions from 2 submitters: Uncertain significance (2). Last evaluated 2025-09-15.

Conditions:
Upshaw-Schulman syndrome (TTP). Also called: Congenital thrombotic thrombocytopenic purpura; THROMBOTIC THROMBOCYTOPENIC PURPURA, HEREDITARY. Identifiers: Orphanet 93583, MedGen C1268935, MONDO:0010122, OMIM 274150.

Submissions (2):

Mayo Clinic Laboratories, Mayo Clinic
Classification: Uncertain significance. Last evaluated: 2025-09-15. Review status: criteria provided, single submitter. Criteria: ACMG Guidelines, 2015. Collection method: clinical testing. Allele origin: germline. Observed: 2 variant alleles.
Comment: BP4_moderate

Fulgent Genetics
Classification: Uncertain significance for Upshaw-Schulman syndrome. Last evaluated: 2024-03-08. Review status: criteria provided, single submitter. Criteria: ACMG Guidelines, 2015. Collection method: clinical testing. Allele origin: germline.

Literature cited by the submitters: PubMed 35746657 (cited by Mayo Clinic Laboratories, Mayo Clinic).

NM_139027.6(ADAMTS13):c.1084G>A (p.Val362Met)

Gene: ADAMTS13 (ADAM metallopeptidase with thrombospondin type 1 motif 13; plus strand). Cytogenetic location: 9q34.2.
Variant type: single nucleotide variant.
Coding change: c.1084G>A on transcript NM_139027.6 (MANE Select); coding-DNA position 1084, G replaced by A.
Protein change: p.Val362Met; replaces valine 362 with methionine.
Molecular consequence: missense variant. On other transcripts: non-coding transcript variant (1).
Genome position (GRCh38, 1-based): chr9:133,432,684, G>A. VCF-style: chr9-133432684-G-A. GRCh37 (hg19) VCF-style: chr9-136297805-G-A.
Other names: p.Val362Met; c.1084G>A, p.Val362Met (NM_139025.5); c.991G>A, p.Val331Met (NM_139026.6); short protein forms V331M, V362M.
Identifiers: ClinVar variation 3379924 (VCV003379924.3).